The following continues an entry in ClinVar:

NM_000257.4(MYH7):c.5329G>A (p.Ala1777Thr)

Gene: MYH7. ClinVar aggregate classification (germline): Uncertain significance. Uncertain significance (1).

Submissions 6 to 17 of 17:

Ambry Genetics
Classification: Uncertain significance for Cardiovascular phenotype. Last evaluated: 2024-11-06. Review status: criteria provided, single submitter. Criteria: Ambry Variant Classification Scheme 2023. Collection method: clinical testing. Allele origin: germline. Not counted in ClinVar's aggregate classification.
Comment: The p.A1777T variant (also known as c.5329G>A), located in coding exon 35 of the MYH7 gene, results from a G to A substitution at nucleotide position 5329. The alanine at codon 1777 is replaced by threonine, an amino acid with similar properties. This variant has been reported in individuals with hypertrophic cardiomyopathy (HCM) (Richard P et al. Circulation. 2003;107(17):2227-32); Bos JM et al. Mayo Clin. Proc., 2014 Jun;89:727-37; Homburger JR et al. Proc. Natl. Acad. Sci. U.S.A., 2016 06;113:6701-6; Walsh R et al. Genet. Med., 2017 02;19:192-203; Ambry internal data). This alteration was also identified in a patient reported to have distal and axial myopathy, and a patient reported to have myofibrillar myopathy (Evil&auml; A et al. Neuromuscul Disord. 2016;26(1):7-15; Chanson JB et al. Eur J Neurol. 2016; 23(6):1086-92). This variant has been detected in a case with Brugada syndrome and co-occurred with MYBPC3 variants in an individual with noncompaction cardiomyopathy (Hertz CL et al. Int. J. Legal Med., 2015 Jul;129:793-800; Liu S et al. Int J Cardiol. 2020 03;302:117-123). This variant has also been detected in individuals from a cohort not indicated as having cardiomyopathy or skeletal myopathy; however, details were limited (Park J et al. Hum Mol Genet. 2022 03;31(5):827-837). This alteration has been reported as a secondary cardiac variant in an exome cohort (Ng D et al. Circ Cardiovasc Genet, 2013 Aug;6:337-46). This amino acid position is highly conserved in available vertebrate species. In addition, this alteration is predicted to be deleterious by in silico analysis. Since supporting evidence is limited at this time, the clinical significance of this alteration remains unclear.

Blueprint Genetics
Classification: Likely benign. Last evaluated: 2024-10-25. Review status: criteria provided, single submitter. Criteria: ACMG Guidelines, 2015. Collection method: clinical testing. Allele origin: germline. Not counted in ClinVar's aggregate classification.

All of Us Research Program, National Institutes of Health
Classification: Uncertain significance for Cardiomyopathy. Last evaluated: 2024-07-29. Review status: criteria provided, single submitter. Criteria: ACMG Guidelines, 2015. Collection method: clinical testing. Allele origin: germline. Inheritance: Autosomal dominant inheritance. Observed: 20 variant alleles, 20 heterozygotes. Not counted in ClinVar's aggregate classification.
Comment: This missense variant replaces alanine with threonine at codon 1777 of the MYH7 protein. Computational prediction is inconclusive regarding the impact of this variant on protein structure and function (internally defined REVEL score threshold 0.5 < inconclusive < 0.7, PMID: 27666373). To our knowledge, functional studies have not been reported for this variant. This variant has been reported in individuals affected with hypertrophic cardiomyopathy (PMID: 12707239, 24793961, 27532257, 30297972), suspected hypertrophic cardiomyopathy (PMID: 33673806), dilated cardiomyopathy (PMID: 27532257), and Brugada syndrome (PMID: 25467552). Additionally, this variant has been reported in an individual affected with left ventricular noncompaction cardiomyopathy who also carried two pathogenic variants in the MYBPC3 gene (PMID: 31918855). This variant has been reported in individuals from a cohort of patients undergoing whole exome sequencing that were not selected for cardiomyopathy, arrhythmia or a family history of sudden death (PMID: 23861362, 34542152). This variant has also been identified in 21/282890 chromosomes in the general population by the Genome Aggregation Database (gnomAD). The available evidence is insufficient to determine the role of this variant in disease conclusively. Therefore, this variant is classified as a Variant of Uncertain Significance.

This study involves interpretation of variants in research participants for the purpose of population health screening. Participant phenotype was not available at the time of variant classification. Additional details can be found in publication PMID: 35346344, PMCID: PMC8962531

Revvity Omics, Revvity
Classification: Uncertain significance. Last evaluated: 2024-05-23. Review status: criteria provided, single submitter. Criteria: ACMG Guidelines, 2015. Collection method: clinical testing. Allele origin: germline. Not counted in ClinVar's aggregate classification.

Color Diagnostics, LLC DBA Color Health
Classification: Uncertain significance for Cardiomyopathy. Last evaluated: 2024-05-02. Review status: criteria provided, single submitter. Criteria: ACMG Guidelines, 2015. Collection method: clinical testing. Allele origin: germline. Not counted in ClinVar's aggregate classification.
Comment: This missense variant replaces alanine with threonine at codon 1777 of the MYH7 protein. Computational prediction tools indicate that this variant's impact on protein structure and function is inconclusive. To our knowledge, functional studies have not been reported for this variant. This variant has been reported in several individuals affected with hypertrophic cardiomyopathy (PMID: 12707239, 24793961, 27532257, 30297972, 33673806), in one individual affected with dilated cardiomyopathy (PMID: 27532257), and in one individual affected with Brugada syndrome (PMID: 25467552). Additionally, this variant has been reported in one individual affected with left ventricular noncompaction cardiomyopathy who also carried two pathogenic variants in the MYBPC3 gene (PMID: 31918855). This variant has been reported in individuals from a cohort of patients undergoing whole exome sequencing that were not selected for cardiomyopathy, arrhythmia or a family history of sudden death (PMID: 23861362, 34542152). This variant has also been identified in 21/282890 chromosomes in the general population by the Genome Aggregation Database (gnomAD). The available evidence is insufficient to determine the role of this variant in disease conclusively. Therefore, this variant is classified as a Variant of Uncertain Significance.

Women's Health and Genetics/Laboratory Corporation of America, LabCorp
Classification: Uncertain significance. Last evaluated: 2023-11-03. Review status: criteria provided, single submitter. Criteria: LabCorp Variant Classification Summary - May 2015. Collection method: clinical testing. Allele origin: germline. Not counted in ClinVar's aggregate classification.
Comment: Variant summary: MYH7 c.5329G>A (p.Ala1777Thr) results in a non-conservative amino acid change located in the Myosin tail domain (IPR002928) of the encoded protein sequence. Four of five in-silico tools predict a damaging effect of the variant on protein function. The variant allele was found at a frequency of 6.8e-05 in 251488 control chromosomes, predominantly at a frequency of 0.00012 within the Non-Finnish European subpopulation in the gnomAD database. This frequency is not significantly higher than estimated for a pathogenic variant in MYH7 causing Cardiomyopathy (6.8e-05 vs 0.0013), allowing no conclusion about variant significance. c.5329G>A has been reported in the literature in individuals affected with Cardiomyopathy. These reports do not provide unequivocal conclusions about association of the variant with Cardiomyopathy. To our knowledge, no experimental evidence demonstrating an impact on protein function has been reported. The following publications have been ascertained in the context of this evaluation (PMID: 12707239, 23861362, 24793961, 27247418, 27532257, 25467552, 29300372, 33673806). Multiple submitters have cited clinical-significance assessments for this variant to ClinVar after 2014 and classified as VUS (n=10) and likely pathogenic (n=1). Based on the evidence outlined above, the variant was classified as uncertain significance.

MGZ Medical Genetics Center
Classification: Uncertain significance for Hypertrophic cardiomyopathy 1. Last evaluated: 2022-02-01. Review status: criteria provided, single submitter. Criteria: ACMG Guidelines, 2015. Collection method: clinical testing. Allele origin: germline. Affected: yes. Observed: 1 variant allele. Not counted in ClinVar's aggregate classification.
Comment: ACMG criteria applied: PS4_MOD, PP2, PP3

Fulgent Genetics
Classification: Uncertain significance for MYH7-related skeletal myopathy; Myosin storage myopathy; Hypertrophic cardiomyopathy 1; Myopathy, myosin storage, autosomal recessive; Congenital myopathy 4A, autosomal dominant; Dilated cardiomyopathy 1S. Last evaluated: 2021-07-19. Review status: criteria provided, single submitter. Criteria: ACMG Guidelines, 2015. Collection method: clinical testing. Allele origin: unknown. Not counted in ClinVar's aggregate classification.

Laboratory for Molecular Medicine, Mass General Brigham Personalized Medicine
Classification: Uncertain significance for Hypertrophic cardiomyopathy. Last evaluated: 2019-04-05. Review status: criteria provided, single submitter. Criteria: ACMG Guidelines, 2015. Collection method: clinical testing. Allele origin: germline. Not counted in ClinVar's aggregate classification.
Comment: The p.Ala1777Thr variant in MYH7 has been reported in 6 individuals with HCM, 1 individual with DCM, 1 individual with myopathy, and 1 individual with RCM who carried a second pathogenic MYH7 variant (Richard 2003, Ng 2013, Walsh 2017, Evila 2016, Bos 2014, Hertz 2014, LMM data). The p.Ala1777Thr variant has also been identified in 17/126714 European chromosomes by the Genome Aggregation Database (gnomAD; dbSNP rs200939753). Clinvar: Path (University Hosp of Strasbourg), LP (Blueprint, ClinSeq), VUS (GeneDx, Invitae, Ambry, MYH7 expert panel). Computational prediction tools and conservation analysis do not provide strong support for or against an impact to the protein. Furthermore, in vitro functional studies suggest that the variant may not impact protein function (Wallefeld 2010); however, these types of assays may not accurately represent biological function. In summary, given the broad phenotypic spectrum associated with this variant and the presence of conflicting data, the clinical significance of the p.Ala1777Thr variant is uncertain.

Illumina Laboratory Services, Illumina
Classification: Uncertain significance for Hypertrophic cardiomyopathy 1. Last evaluated: 2017-04-27. Review status: criteria provided, single submitter. Criteria: ICSL Variant Classification Criteria 13 December 2019. Collection method: clinical testing. Allele origin: germline. Not counted in ClinVar's aggregate classification.
Comment: This variant was observed as part of a predisposition screen in an ostensibly healthy population. A literature search was performed for the gene, cDNA change, and amino acid change (where applicable). Publications were found based on this search. However, the evidence from the literature, in combination with allele frequency data from public databases where available, was not sufficient to rule this variant in or out of causing disease. Therefore, this variant is classified as a variant of unknown significance.

Biesecker Lab/Clinical Genomics Section, National Institutes of Health
Classification: Likely pathogenic for Cardiomyopathy, hypertrophic. Last evaluated: 2013-06-24. Review status: criteria provided, single submitter. Criteria: Ng et al. (Circ Cardiovasc Genet. 2013). Collection method: research. Allele origin: unknown. Affected: no. Observed: 1 variant allele. Study: ClinSeq. Not counted in ClinVar's aggregate classification.
Comment: The study set was not selected for affection status in relation to any cancer. Pathogenicity categories were based on literature curation. See Pubmed ID:23861362 for details.

Medical sequencing

Department of Neurology, University Hospital of Strasbourg
Classification: Pathogenic for Camptocormia. Last evaluated: 2014-01-01. Review status: no assertion criteria provided. Collection method: literature only. Allele origin: unknown. Affected: yes. Observed: 1 variant allele. Not counted in ClinVar's aggregate classification.

Literature cited by the submitters: PubMed 29300372 (cited by ClinGen Cardiomyopathy Variant Curation Expert Panel and Women's Health and Genetics/Laboratory Corporation of America, LabCorp); PubMed 12707239 (cited by 9 submitters); PubMed 24793961 (cited by 6 submitters); PubMed 27247418 (cited by 4 submitters); PubMed 27532257 (cited by 6 submitters); PubMed 32894683 (cited by Labcorp Genetics (formerly Invitae), Labcorp); PubMed 33673806 (cited by 5 submitters); PubMed 23861362 (cited by 5 submitters); PubMed 25467552 (cited by 5 submitters); PubMed 26627873 (cited by Ambry Genetics and Laboratory for Molecular Medicine, Mass General Brigham Personalized Medicine); PubMed 26969127 (cited by Ambry Genetics); PubMed 31918855 (cited by 3 submitters); PubMed 34542152 (cited by 3 submitters); PubMed 30297972 (cited by All of Us Research Program, National Institutes of Health and Color Diagnostics, LLC DBA Color Health); PubMed 25961035 (cited by Laboratory for Molecular Medicine, Mass General Brigham Personalized Medicine).